The following is an entry in ClinVar:

NM_001080.3(ALDH5A1):c.532A>G (p.Ile178Val)

Gene: ALDH5A1 (aldehyde dehydrogenase 5 family member A1; plus strand). Cytogenetic location: 6p22.3.
Variant type: single nucleotide variant.
Coding change: c.532A>G on transcript NM_001080.3 (MANE Select); coding-DNA position 532, A replaced by G.
Protein change: p.Ile178Val; replaces isoleucine 178 with valine.
Molecular consequence: missense variant.
Genome position (GRCh38, 1-based): chr6:24,503,356, A>G. VCF-style: chr6-24503356-A-G. GRCh37 (hg19) VCF-style: chr6-24503584-A-G.
Other names: c.532A>G, p.Ile178Val (NM_001368954.1, NM_170740.1); short protein forms I178V.
Identifiers: ClinVar variation 529475 (VCV000529475.7), dbSNP rs751365223, ClinGen allele CA3656648.

ClinVar aggregate classification (germline): Uncertain significance (1 of 4 stars; one submission).

Conditions:
Succinate-semialdehyde dehydrogenase deficiency (SSADHD). Also called: GABA METABOLIC DEFECT; 4-HYDROXYBUTYRIC ACIDURIA; SSADH DEFICIENCY; Succinic Semialdehyde Dehydrogenase Deficiency. Identifiers: Orphanet 22, MedGen C0268631, MONDO:0010083, OMIM 271980.

Allele frequency attached by ClinVar (database versions not stated): gnomAD 0.00001; gnomAD exomes 0.00001 and 0.00003; ExAC 0.00002; TOPMed 0.00002.
gnomAD v4.1: 43 of 1,614,014 alleles (0.0027%); highest among the groups gnomAD compares: Non-Finnish European, 0.0035%; no homozygotes.

Submission:

Labcorp Genetics (formerly Invitae), Labcorp
Classification: Uncertain significance for Succinate-semialdehyde dehydrogenase deficiency. Last evaluated: 2024-10-28. Review status: criteria provided, single submitter. Criteria: Invitae Variant Classification Sherloc (09022015). Collection method: clinical testing. Allele origin: germline.
Comment: This sequence change replaces isoleucine, which is neutral and non-polar, with valine, which is neutral and non-polar, at codon 178 of the ALDH5A1 protein (p.Ile178Val). This variant is present in population databases (rs751365223, gnomAD 0.003%). This variant has not been reported in the literature in individuals affected with ALDH5A1-related conditions. ClinVar contains an entry for this variant (Variation ID: 529475). Invitae Evidence Modeling of protein sequence and biophysical properties (such as structural, functional, and spatial information, amino acid conservation, physicochemical variation, residue mobility, and thermodynamic stability) indicates that this missense variant is not expected to disrupt ALDH5A1 protein function with a negative predictive value of 80%. In summary, the available evidence is currently insufficient to determine the role of this variant in disease. Therefore, it has been classified as a Variant of Uncertain Significance.